The following is an entry in ClinVar:

NM_007194.4(CHEK2):c.383del (p.Pro128fs)

Gene: CHEK2 (checkpoint kinase 2; minus strand). Cytogenetic location: 22q12.1.
Variant type: Deletion.
Coding change: c.383del on transcript NM_007194.4 (MANE Select); coding-DNA position 383, one base deleted (C; older notation c.383delC).
Protein change: p.Pro128fs; shifts the reading frame from proline 128.
Molecular consequence: frameshift variant.
Genome position (GRCh38, 1-based): chr22:28,725,304, G deleted on the plus strand (C on the coding strand, the reverse complement: CHEK2 is on the minus strand); the first of 2 consecutive G bases (chr22:28,725,304-28,725,305); deleting either gives the same sequence. VCF-style (leftmost placement, unchanged base first): chr22-28725303-TG-T. GRCh37 (hg19) VCF-style: chr22-29121291-TG-T.
Other names: c.511delC, p.Pro171Hisfs (NM_001005735.3); c.-396delC (NM_001257387.3); c.382delC, p.Pro128Hisfs (NM_001349956.3, NM_145862.3); short protein forms P128fs, P171fs.
Identifiers: ClinVar variation 574804 (VCV000574804.7), dbSNP rs1569158776, ClinGen allele CA891844560.

ClinVar aggregate classification (germline): Pathogenic (1 of 4 stars; one submission).

Conditions:
Familial cancer of breast. Also called: hereditary breast carcinoma; BREAST CANCER, FAMILIAL; Hereditary breast cancer. Identifiers: Orphanet 227535, MedGen C0346153, MONDO:0016419, OMIM 114480. Disease mechanism: loss of function.

Submission:

Labcorp Genetics (formerly Invitae), Labcorp
Classification: Pathogenic for Familial cancer of breast. Last evaluated: 2018-02-13. Review status: criteria provided, single submitter. Criteria: Invitae Variant Classification Sherloc (09022015). Collection method: clinical testing. Allele origin: germline.
Comment: For these reasons, this variant has been classified as Pathogenic. This sequence change creates a premature translational stop signal (p.Pro128Hisfs*3) in the CHEK2 gene. It is expected to result in an absent or disrupted protein product. This variant is not present in population databases (ExAC no frequency). This variant has not been reported in the literature in individuals with CHEK2-related disease. Loss-of-function variants in CHEK2 are known to be pathogenic (PMID: 21876083, 24713400).

Literature cited by the submitters: PubMed 21876083; PubMed 24713400.